The following is an entry in ClinVar:

ClinVar aggregate classification (germline): Uncertain significance (1 of 4 stars; one submission).

gnomAD v4.1: 2 of 1,612,228 alleles (0.00012%); highest among the groups gnomAD compares: Non-Finnish European, 0.00017%; no homozygotes.

Submission:

GeneDx
Classification: Uncertain significance. Last evaluated: 2026-01-10. Review status: criteria provided, single submitter. Criteria: GeneDx Variant Classification Process June 2021. Collection method: clinical testing. Allele origin: germline. Affected: yes.
Comment: In silico analysis supports that this missense variant has a deleterious effect on protein structure/function; Has not been previously published as pathogenic or benign to our knowledge; Not observed at significant frequency in large population cohorts (gnomAD)

NM_001374353.1(GLI2):c.3538G>T (p.Gly1180Cys)

Gene: GLI2 (GLI family zinc finger 2; plus strand). Cytogenetic location: 2q14.2.
Variant type: single nucleotide variant.
Coding change: c.3538G>T on transcript NM_001374353.1 (MANE Select); coding-DNA position 3538, G replaced by T.
Protein change: p.Gly1180Cys; replaces glycine 1180 with cysteine.
Molecular consequence: missense variant.
Genome position (GRCh38, 1-based): chr2:120,989,503, G>T. VCF-style: chr2-120989503-G-T. GRCh37 (hg19) VCF-style: chr2-121747079-G-T.
Other names: c.3589G>T, p.Gly1197Cys (NM_001371271.1, NM_005270.5); c.3163G>T, p.Gly1055Cys (NM_001374354.1); short protein forms G1055C, G1180C, G1197C.
Identifiers: ClinVar variation 3371627 (VCV003371627.2).